The following is an entry in ClinVar:

ClinVar aggregate classification (germline): Benign/Likely benign. Review status: criteria provided, multiple submitters, no conflicts (2 of 4 stars). 5 submissions from 5 submitters: Benign (4); Likely benign (1). Last evaluated 2026-01-27.

Conditions:
Kabuki syndrome. Also called: Kabuki make-up syndrome; NIIKAWA-KUROKI SYNDROME. Identifiers: Orphanet 2322, MedGen C0796004, MONDO:0016512.
Kabuki syndrome 1 (KABUK1). Also called: KMT2D-Related Kabuki Syndrome. Identifiers: Orphanet 2322, MedGen CN030661, MONDO:0007843, OMIM 147920.

Allele frequency attached by ClinVar (database versions not stated): ESP Exome Variant Server 0.00032; gnomAD 0.00108 and 0.00117; TOPMed 0.00132; ExAC 0.00229; gnomAD exomes 0.00233; 1000 Genomes Project 30x 0.00312; 1000 Genomes Project 0.00319.
gnomAD v4.1: 1,937 of 1,612,008 alleles (0.12%); highest among the groups gnomAD compares: East Asian, 1.7%; 11 homozygotes.

Submissions (9):

Labcorp Genetics (formerly Invitae), Labcorp
Classification: Benign for Kabuki syndrome. Last evaluated: 2026-01-27. Review status: criteria provided, single submitter. Criteria: Invitae Variant Classification Sherloc (09022015). Collection method: clinical testing. Allele origin: germline.

Athena Diagnostics
Classification: Benign. Last evaluated: 2024-12-13. Review status: criteria provided, single submitter. Criteria: Athena Diagnostics Criteria. Collection method: clinical testing. Allele origin: unknown.
Comment: The frequency of this variant in the general population is higher than would generally be expected for pathogenic variants in this gene.

GeneDx
Classification: Benign. Last evaluated: 2020-01-31. Review status: criteria provided, single submitter. Criteria: GeneDx Variant Classification Process June 2021. Collection method: clinical testing. Allele origin: germline. Affected: yes.

Center for Human Genetics, Inc
Classification: Likely benign for Kabuki syndrome 1. Last evaluated: 2016-11-01. Review status: criteria provided, single submitter. Criteria: ACMG Guidelines, 2015. Collection method: clinical testing. Allele origin: germline. Affected: yes.

Eurofins Ntd Llc (ga)
Classification: Benign. Last evaluated: 2015-06-16. Review status: criteria provided, single submitter. Criteria: EGL Classification Definitions 2015. Collection method: clinical testing. Allele origin: germline. Observed: 1 variant allele, 1 heterozygote.

Dr. Peter K. Rogan Lab, Western University
No classification provided (evidence only). Condition: Familial cancer of breast. Review status: no classification provided. Collection method: in vitro. Allele origin: not applicable. Functional consequence: retained intron. Not counted in ClinVar's aggregate classification.

Dr. Peter K. Rogan Lab, Western University
No classification provided (evidence only). Condition: Colon adenocarcinoma. Review status: no classification provided. Collection method: in vitro. Allele origin: not applicable. Functional consequence: retained intron. Not counted in ClinVar's aggregate classification.

Dr. Peter K. Rogan Lab, Western University
No classification provided (evidence only). Condition: Gastric cancer. Review status: no classification provided. Collection method: in vitro. Allele origin: not applicable. Functional consequence: retained intron. Not counted in ClinVar's aggregate classification.

Dr. Peter K. Rogan Lab, Western University
No classification provided (evidence only). Condition: Gastric cancer. Review status: no classification provided. Collection method: in vitro. Allele origin: not applicable. Functional consequence: retained intron. Not counted in ClinVar's aggregate classification.

NM_003482.4(KMT2D):c.4401C>T (p.Gly1467=)

Gene: KMT2D (lysine methyltransferase 2D; minus strand). Cytogenetic location: 12q13.12.
Variant type: single nucleotide variant.
Coding change: c.4401C>T on transcript NM_003482.4 (MANE Select); coding-DNA position 4401, C replaced by T.
Protein change: p.Gly1467=; no amino-acid change (glycine 1467 retained).
Molecular consequence: synonymous variant.
Genome position (GRCh38, 1-based): chr12:49,046,626, G>A on the plus strand (C>T on the coding strand, the complement: KMT2D is on the minus strand). VCF-style: chr12-49046626-G-A. GRCh37 (hg19) VCF-style: chr12-49440409-G-A.
Identifiers: ClinVar variation 281493 (VCV000281493.20), dbSNP rs192659833, ClinGen allele CA6547842.